The following is an entry in ClinVar:

NM_000297.4(PKD2):c.2393_2396del (p.Arg798fs)

Gene: PKD2 (polycystin 2, transient receptor potential cation channel; plus strand). Cytogenetic location: 4q22.1.
Variant type: Deletion.
Coding change: c.2393_2396del on transcript NM_000297.4 (MANE Select); coding-DNA positions 2393 to 2396, 4 bases deleted (GTCC; older notation c.2393_2396delGTCC).
Protein change: p.Arg798fs; shifts the reading frame from arginine 798.
Molecular consequence: frameshift variant. On other transcripts: non-coding transcript variant (1).
Genome position (GRCh38, 1-based): chr4:88,067,932-88,067,935, GTCC deleted; deleting any 4 consecutive bases within chr4:88,067,931-88,067,935 gives the same sequence; the c. name uses the placement nearest the transcript's 3' end. VCF-style (leftmost placement, unchanged base first): chr4-88067930-ACGTC-A. GRCh37 (hg19) VCF-style: chr4-88989082-ACGTC-A.
Other names: short protein forms R798fs.
Identifiers: ClinVar variation 3066326 (VCV003066326.1), dbSNP rs2475986221, ClinGen allele CA2740097801.
Genomic context (GRCh38, chr4:88,067,930, plus strand): 5'-CCTCACTCAGTGACCCCTTGTTCTTCAGGAGGACCTGGATTTGGATCACAGTTCTTTACC[ACGTC>A]CCATGAGCAGCCGAAGTTTCCCTCGAAGCCTGGATGACTCTGAGGAGGATGACGATGAAG-3'

ClinVar aggregate classification (germline): Pathogenic (1 of 4 stars; one submission).

Conditions:
Polycystic kidney disease 2 (PKD2). Also called: POLYCYSTIC KIDNEY DISEASE, ADULT, TYPE II; POLYCYSTIC KIDNEY DISEASE 2 WITH OR WITHOUT POLYCYSTIC LIVER DISEASE; Polycystic Kidney Disease 2, Autosomal Dominant. Identifiers: MedGen C2751306, MONDO:0013131, OMIM 613095.

Submission:

MVZ Medizinische Genetik Mainz
Classification: Pathogenic for Polycystic kidney disease 2. Last evaluated: 2022-03-10. Review status: criteria provided, single submitter. Criteria: UK Practice Guidelines For Variant Classification V4 01 2020. Collection method: clinical testing. Allele origin: germline. Inheritance: Autosomal dominant inheritance. Affected: yes. Observed: 1 variant allele.
Comment: ACMG Criteria: PVS1, PM2_SUP, PP4 (ACMG Version 3)